The following is an entry in ClinVar:

NM_018344.6(SLC29A3):c.1234G>A (p.Asp412Asn)

Gene: SLC29A3 (solute carrier family 29 member 3; plus strand). Cytogenetic location: 10q22.1.
Variant type: single nucleotide variant.
Coding change: c.1234G>A on transcript NM_018344.6 (MANE Select); coding-DNA position 1234, G replaced by A.
Protein change: p.Asp412Asn; replaces aspartic acid 412 with asparagine.
Molecular consequence: missense variant. On other transcripts: 3 prime UTR variant (1), non-coding transcript variant (2).
Genome position (GRCh38, 1-based): chr10:71,362,414, G>A. VCF-style: chr10-71362414-G-A. GRCh37 (hg19) VCF-style: chr10-73122171-G-A.
Other names: c.*463G>A (NM_001174098.2); c.1000G>A, p.Asp334Asn (NM_001363518.2); c.1234G>A (NM_018344.5); short protein forms D412N, D334N.
Identifiers: ClinVar variation 2074465 (VCV002074465.2), dbSNP rs745488411, ClinGen allele CA5543159.

ClinVar aggregate classification (germline): Uncertain significance. Review status: criteria provided, multiple submitters, no conflicts (2 of 4 stars). 2 submissions from 2 submitters: Uncertain significance (2). Last evaluated 2025-04-02.

Conditions:
H syndrome. Also called: FAISALABAD HISTIOCYTOSIS; Histiocytosis with joint contractures and sensorineural deafness; HISTIOCYTOSIS AND LYMPHADENOPATHY WITH OR WITHOUT CUTANEOUS, CARDIAC, AND/OR ENDOCRINE FEATURES, JOINT CONTRACTURES, AND/OR DEAFNESS; HYPERPIGMENTATION, CUTANEOUS, WITH HYPERTRICHOSIS, HEPATOSPLENOMEGALY, HEART ANOMALIES, AND HYPOGONADISM WITH OR WITHOUT HEARING LOSS; PIGMENTED HYPERTRICHOSIS WITH INSULIN-DEPENDENT DIABETES MELLITUS; ROSAI-DORFMAN DISEASE, FAMILIAL. Identifiers: Orphanet 168569, MedGen C1864445, MONDO:0011273, OMIM 602782.
Inborn genetic diseases. Identifiers: MedGen C0950123, MeSH D030342.

Allele frequency attached by ClinVar (database versions not stated): ExAC 0.00005; gnomAD 0.00001; gnomAD exomes 0.00002; TOPMed below 0.00001.
gnomAD v4.1: 29 of 1,614,060 alleles (0.0018%); highest among the groups gnomAD compares: South Asian, 0.023%; no homozygotes.

Submissions (2):

Ambry Genetics
Classification: Uncertain significance for Inborn genetic diseases. Last evaluated: 2025-04-02. Review status: criteria provided, single submitter. Criteria: Ambry Variant Classification Scheme 2023. Collection method: clinical testing. Allele origin: germline.

Labcorp Genetics (formerly Invitae), Labcorp
Classification: Uncertain significance for H syndrome. Last evaluated: 2022-03-31. Review status: criteria provided, single submitter. Criteria: Invitae Variant Classification Sherloc (09022015). Collection method: clinical testing. Allele origin: germline.
Comment: This sequence change replaces aspartic acid, which is acidic and polar, with asparagine, which is neutral and polar, at codon 412 of the SLC29A3 protein (p.Asp412Asn). This variant is present in population databases (rs745488411, gnomAD 0.04%). This variant has not been reported in the literature in individuals affected with SLC29A3-related conditions. Algorithms developed to predict the effect of missense changes on protein structure and function are either unavailable or do not agree on the potential impact of this missense change (SIFT: "Tolerated"; PolyPhen-2: "Probably Damaging"; Align-GVGD: "Class C0"). In summary, the available evidence is currently insufficient to determine the role of this variant in disease. Therefore, it has been classified as a Variant of Uncertain Significance.